The following is an entry in ClinVar:

ClinVar aggregate classification (germline): Uncertain significance (1 of 4 stars; one submission).

Conditions:
Congenital glucose-galactose malabsorption (GGM). Also called: MONOSACCHARIDE MALABSORPTION; DIARRHEA 16. Identifiers: Orphanet 35710, MedGen C0268186, MONDO:0011731, OMIM 606824.

gnomAD v4.1: 1 of 1,613,714 alleles (0.000062%); highest among the groups gnomAD compares: Non-Finnish European, 0.000085%; no homozygotes.

Submission:

Labcorp Genetics (formerly Invitae), Labcorp
Classification: Uncertain significance for Congenital glucose-galactose malabsorption. Last evaluated: 2022-11-08. Review status: criteria provided, single submitter. Criteria: Invitae Variant Classification Sherloc (09022015). Collection method: clinical testing. Allele origin: germline.
Comment: ClinVar contains an entry for this variant (Variation ID: 1373480). In summary, the available evidence is currently insufficient to determine the role of this variant in disease. Therefore, it has been classified as a Variant of Uncertain Significance. Advanced modeling of protein sequence and biophysical properties (such as structural, functional, and spatial information, amino acid conservation, physicochemical variation, residue mobility, and thermodynamic stability) performed at Invitae indicates that this missense variant is expected to disrupt SLC5A1 protein function. This variant has not been reported in the literature in individuals affected with SLC5A1-related conditions. This variant is not present in population databases (gnomAD no frequency). This sequence change replaces tyrosine, which is neutral and polar, with cysteine, which is neutral and slightly polar, at codon 366 of the SLC5A1 protein (p.Tyr366Cys).

NM_000343.4(SLC5A1):c.1097A>G (p.Tyr366Cys)

Gene: SLC5A1 (solute carrier family 5 member 1; plus strand). Cytogenetic location: 22q12.3.
Variant type: single nucleotide variant.
Coding change: c.1097A>G on transcript NM_000343.4 (MANE Select); coding-DNA position 1097, A replaced by G.
Protein change: p.Tyr366Cys; replaces tyrosine 366 with cysteine.
Molecular consequence: missense variant.
Genome position (GRCh38, 1-based): chr22:32,086,295, A>G. VCF-style: chr22-32086295-A-G. GRCh37 (hg19) VCF-style: chr22-32482282-A-G.
Other names: c.716A>G, p.Tyr239Cys (NM_001256314.2); short protein forms Y366C, Y239C.
Identifiers: ClinVar variation 1373480 (VCV001373480.6), dbSNP rs2149492851, ClinGen allele CA411307066.
Genomic context (GRCh38, chr22:32,086,295, plus strand): 5'-TCGTCCCTTCAGAATGTGAGAAATATTGCGGTACCAAGGTTGGCTGTACCAACATCGCCT[A>G]TCCAACCTTAGTGGTGGAGCTCATGCCCAATGGTGAGATTCTTTCTTGGGAGGTTGGTAG-3'
Protein context (NP_000334.1, residues 356-376): GTKVGCTNIA[Tyr366Cys]PTLVVELMPN